The following is an entry in ClinVar:

NM_153603.4(COG7):c.1804-14C>A

Gene: COG7 (component of oligomeric golgi complex 7; minus strand). Cytogenetic location: 16p12.2.
Variant type: single nucleotide variant.
Coding change: c.1804-14C>A on transcript NM_153603.4 (MANE Select); 14 bases into the intron before coding-DNA position 1804, C replaced by A.
Molecular consequence: intron variant.
Genome position (GRCh38, 1-based): chr16:23,398,143, G>T on the plus strand (C>A on the coding strand, the complement: COG7 is on the minus strand). VCF-style: chr16-23398143-G-T. GRCh37 (hg19) VCF-style: chr16-23409464-G-T.
Identifiers: ClinVar variation 930885 (VCV000930885.3), dbSNP rs768020092, ClinGen allele CA1139664607.
Genomic context (GRCh38, chr16:23,398,143, plus strand): 5'-GGCAGTTCATCTGTGAGGGTTTCTCCGATGCCAGCCGTATTCCAGCTCTAAGGGTGGAAC[G>T]AGAGGACACAATCAGTACCTAGCAGCCAGGCAGCTGTGAAGACGCCACCCAGAAATACAC-3'

ClinVar aggregate classification (germline): Uncertain significance (1 of 4 stars; one submission).

Conditions:
COG7 congenital disorder of glycosylation (CDG2E). Also called: CONGENITAL DISORDER OF GLYCOSYLATION, TYPE IIe; CDG IIe. Identifiers: Orphanet 79333, MedGen C2931010, MONDO:0012118, OMIM 608779.

Submission:

Centre for Mendelian Genomics, University Medical Centre Ljubljana
Classification: Uncertain significance for COG7 congenital disorder of glycosylation. Last evaluated: 2018-10-12. Review status: criteria provided, single submitter. Criteria: ACMG Guidelines, 2015. Collection method: clinical testing. Allele origin: unknown. Affected: yes.
Comment: This variant was classified as: Uncertain significance. The available evidence favors the benign nature of this variant, however the evidence is insufficent to prove its benign nature. The following ACMG criteria were applied in classifying this variant: PM2,BP4.